The following is an entry in ClinVar:

NM_001134363.3(RBM20):c.2736C>T (p.Asp912=)

Gene: RBM20 (RNA binding motif protein 20; plus strand). Cytogenetic location: 10q25.2.
Variant type: single nucleotide variant.
Coding change: c.2736C>T on transcript NM_001134363.3 (MANE Select); coding-DNA position 2736, C replaced by T.
Protein change: p.Asp912=; no amino-acid change (aspartic acid 912 retained).
Molecular consequence: synonymous variant.
Genome position (GRCh38, 1-based): chr10:110,821,355, C>T. VCF-style: chr10-110821355-C-T. GRCh37 (hg19) VCF-style: chr10-112581113-C-T.
Other names: c.2736C>T (LRG_382t1).
Identifiers: ClinVar variation 389148 (VCV000389148.16), dbSNP rs368136394, ClinGen allele CA16605808.

ClinVar aggregate classification (germline): Likely benign. Review status: criteria provided, multiple submitters, no conflicts (2 of 4 stars). 6 submissions from 6 submitters: Likely benign (6). Last evaluated 2026-05-04.

Conditions:
Dilated cardiomyopathy 1DD (CMD1DD). Identifiers: Orphanet 154, MedGen C2750995, MONDO:0013168, OMIM 613172.
Cardiovascular phenotype. Identifiers: MedGen CN230736.

Allele frequency attached by ClinVar (database versions not stated): gnomAD exomes 0.00004 and 0.00007; gnomAD 0.00006 and 0.00007; TOPMed 0.00009; ESP Exome Variant Server 0.00022; 1000 Genomes Project 0.00060; 1000 Genomes Project 30x 0.00094.
gnomAD v4.1: 112 of 1,551,650 alleles (0.0072%); highest among the groups gnomAD compares: Admixed American, 0.016%; no homozygotes.

Submissions (6):

Women's Health and Genetics/Laboratory Corporation of America, LabCorp
Classification: Likely benign. Last evaluated: 2026-05-04. Review status: criteria provided, single submitter. Criteria: LabCorp Variant Classification Summary - May 2015. Collection method: clinical testing. Allele origin: germline.

Labcorp Genetics (formerly Invitae), Labcorp
Classification: Likely benign for Dilated cardiomyopathy 1DD. Last evaluated: 2026-02-04. Review status: criteria provided, single submitter. Criteria: Invitae Variant Classification Sherloc (09022015). Collection method: clinical testing. Allele origin: germline.

Blueprint Genetics
Classification: Likely benign. Last evaluated: 2024-08-12. Review status: criteria provided, single submitter. Criteria: ACMG Guidelines, 2015. Collection method: clinical testing. Allele origin: germline.

Ambry Genetics
Classification: Likely benign for Cardiovascular phenotype. Last evaluated: 2020-01-03. Review status: criteria provided, single submitter. Criteria: Ambry Variant Classification Scheme 2023. Collection method: clinical testing. Allele origin: germline.

GeneDx
Classification: Likely benign. Last evaluated: 2017-08-28. Review status: criteria provided, single submitter. Criteria: GeneDx Variant Classification (06012015). Collection method: clinical testing. Allele origin: germline. Affected: yes.
Comment: This variant is considered likely benign or benign based on one or more of the following criteria: it is a conservative change, it occurs at a poorly conserved position in the protein, it is predicted to be benign by multiple in silico algorithms, and/or has population frequency not consistent with disease.

Breakthrough Genomics
Classification: Likely benign. Review status: criteria provided, single submitter. Criteria: ACMG Guidelines, 2015. Collection method: not provided. Allele origin: germline. Inheritance: Autosomal dominant inheritance. Affected: yes.